The following is an entry in ClinVar:

NM_005660.3(SLC35A2):c.955C>T (p.His319Tyr)

Gene: SLC35A2 (solute carrier family 35 member A2; minus strand). Cytogenetic location: Xp11.23.
Variant type: single nucleotide variant.
Coding change: c.955C>T on transcript NM_005660.3 (MANE Select); coding-DNA position 955, C replaced by T.
Protein change: p.His319Tyr; replaces histidine 319 with tyrosine.
Molecular consequence: missense variant. On other transcripts: intron variant (3).
Genome position (GRCh38, 1-based): chrX:48,904,954, G>A on the plus strand (C>T on the coding strand, the complement: SLC35A2 is on the minus strand). VCF-style: chrX-48904954-G-A. GRCh37 (hg19) VCF-style: chrX-48762231-G-A.
Other names: c.955C>T, p.His319Tyr (NM_001042498.3); c.772C>T, p.His258Tyr (NM_001282649.2); c.994C>T, p.His332Tyr (NM_001282650.2); c.1039C>T, p.His347Tyr (NM_001282651.2); c.427-62C>T (NM_001282647.2, NM_001032289.3); c.355-62C>T (NM_001282648.2); short protein forms H332Y, H258Y, H319Y, H347Y.
Identifiers: ClinVar variation 1361100 (VCV001361100.9), dbSNP rs2063477835, ClinGen allele CA412894664.
Genomic context (GRCh38, chrX:48,904,954, plus strand): 5'-TGTAGAGGTAGACAGCACCAATGACGAGTCCAGCGCCAAGGGCAAATAATGGGTCCACGT[G>A]GAAGCCAAAGAGGCGAATGGAGGCAACAGTGGACAGCACAATGGACAGGGAGGTGGCAAA-3'
Protein context (NP_005651.1, residues 309-329): TVASIRLFGF[His319Tyr]VDPLFALGAG

ClinVar aggregate classification (germline): Uncertain significance. Review status: criteria provided, multiple submitters, no conflicts (2 of 4 stars). 2 submissions from 2 submitters: Uncertain significance (2). Last evaluated 2023-01-16.

Conditions:
SLC35A2-congenital disorder of glycosylation. Also called: SLC35A2-CDG; DEVELOPMENTAL AND EPILEPTIC ENCEPHALOPATHY 22; EPILEPTIC ENCEPHALOPATHY, EARLY INFANTILE, 22; CONGENITAL DISORDER OF GLYCOSYLATION, TYPE IIm; CDG IIm; CONGENITAL DISORDER OF GLYCOSYLATION, TYPE IIm, SOMATIC MOSAIC. Identifiers: Orphanet 356961, MedGen C3806688, MONDO:0010478, OMIM 300896.

Allele frequency attached by ClinVar (database versions not stated): gnomAD exomes 0.00001; TOPMed 0.00001.
gnomAD v4.1: 8 of 1,211,275 alleles (0.00066%); highest among the groups gnomAD compares: Non-Finnish European, 0.00078%; no homozygotes.

Submissions (2):

Baylor Genetics
Classification: Uncertain significance for SLC35A2-congenital disorder of glycosylation. Last evaluated: 2023-01-16. Review status: criteria provided, single submitter. Criteria: ACMG Guidelines, 2015. Collection method: clinical testing. Allele origin: unknown.

Labcorp Genetics (formerly Invitae), Labcorp
Classification: Uncertain significance for SLC35A2-congenital disorder of glycosylation. Last evaluated: 2021-02-19. Review status: criteria provided, single submitter. Criteria: Invitae Variant Classification Sherloc (09022015). Collection method: clinical testing. Allele origin: germline.
Comment: This variant is not present in population databases (ExAC no frequency). This sequence change replaces histidine with tyrosine at codon 319 of the SLC35A2 protein (p.His319Tyr). The histidine residue is moderately conserved and there is a moderate physicochemical difference between histidine and tyrosine. This variant has been observed in individual(s) with epileptic encephalopathy (Invitae). Algorithms developed to predict the effect of missense changes on protein structure and function are either unavailable or do not agree on the potential impact of this missense change (SIFT: "Tolerated"; PolyPhen-2: "Possibly Damaging"; Align-GVGD: "Class C0"). In summary, the available evidence is currently insufficient to determine the role of this variant in disease. Therefore, it has been classified as a Variant of Uncertain Significance.